The following is an entry in ClinVar:

NM_000168.6(GLI3):c.3922A>G (p.Met1308Val)

Gene: GLI3 (GLI family zinc finger 3; minus strand). Cytogenetic location: 7p14.1.
Variant type: single nucleotide variant.
Coding change: c.3922A>G on transcript NM_000168.6 (MANE Select); coding-DNA position 3922, A replaced by G.
Protein change: p.Met1308Val; replaces methionine 1308 with valine.
Molecular consequence: missense variant.
Genome position (GRCh38, 1-based): chr7:41,965,151, T>C on the plus strand (A>G on the coding strand, the complement: GLI3 is on the minus strand). VCF-style: chr7-41965151-T-C. GRCh37 (hg19) VCF-style: chr7-42004749-T-C.
Other names: c.3922A>G (NM_000168.5); short protein forms M1308V.
Identifiers: ClinVar variation 4535168 (VCV004535168.7).

ClinVar aggregate classification (germline): Uncertain significance. Review status: criteria provided, multiple submitters, no conflicts (2 of 4 stars). 2 submissions from 2 submitters: Uncertain significance (2). Last evaluated 2026-01-02.

Conditions:
GLI3-related disorder. Also called: GLI3-related condition; GLI3-related disorders. Identifiers: MedGen CN239292.

Submissions (2):

PreventionGenetics, part of Exact Sciences
Classification: Uncertain significance for GLI3-related condition. Last evaluated: 2026-01-02. Review status: criteria provided, single submitter. Criteria: ACMG Guidelines, 2015. Collection method: clinical testing. Allele origin: germline.
Comment: The GLI3 c.3922A>G variant is predicted to result in the amino acid substitution p.Met1308Val. To our knowledge, this variant has not been reported in the literature or in a large population database (gnomAD), indicating this variant is rare. At this time, the clinical significance of this variant is uncertain due to the absence of conclusive functional and genetic evidence.

CeGaT Center for Human Genetics Tuebingen
Classification: Uncertain significance. Last evaluated: 2025-11-01. Review status: criteria provided, single submitter. Criteria: CeGaT Center For Human Genetics Tuebingen Variant Classification Criteria Version 2. Collection method: clinical testing. Allele origin: germline. Affected: yes. Observed: 1 variant allele.
Comment: GLI3: PM2, BP4